The following is an entry in ClinVar:

NM_018896.5(CACNA1G):c.2847C>T (p.Thr949=)

Gene: CACNA1G (calcium voltage-gated channel subunit alpha1 G; plus strand). Cytogenetic location: 17q21.33.
Variant type: single nucleotide variant.
Coding change: c.2847C>T on transcript NM_018896.5 (MANE Select); coding-DNA position 2847, C replaced by T.
Protein change: p.Thr949=; no amino-acid change (threonine 949 retained).
Molecular consequence: synonymous variant. On other transcripts: non-coding transcript variant (5).
Genome position (GRCh38, 1-based): chr17:50,592,029, C>T. VCF-style: chr17-50592029-C-T. GRCh37 (hg19) VCF-style: chr17-48669390-C-T.
Other names: c.2847C>T, p.Thr949= (NM_001256331.2, NM_001256332.2, NM_001256333.2 and 24 more transcripts).
Identifiers: ClinVar variation 2647907 (VCV002647907.24), dbSNP rs370938076, ClinGen allele CA500999220.
Genomic context (GRCh38, chr17:50,592,029, plus strand): 5'-CTACAATGGTATGGCCTCCACGTCGTCCTGGGCGGCCCTTTATTTCATTGCCCTCATGAC[C>T]TTCGGCAACTACGTGCTCTTCAATTTGCTGGTCGCCATTCTGGTGGAGGGCTTCCAGGCG-3'
Protein context (NP_061496.2, residues 939-959): WAALYFIALM[Thr949=]FGNYVLFNLL

ClinVar aggregate classification (germline): Likely benign (1 of 4 stars; one submission).

Allele frequency attached by ClinVar (database versions not stated): gnomAD exomes below 0.00001; gnomAD 0.00001.
gnomAD v4.1: 7 of 1,613,898 alleles (0.00043%); highest among the groups gnomAD compares: South Asian, 0.0066%; no homozygotes.

Submission:

CeGaT Center for Human Genetics Tuebingen
Classification: Likely benign. Last evaluated: 2022-04-01. Review status: criteria provided, single submitter. Criteria: CeGaT Center For Human Genetics Tuebingen Variant Classification Criteria Version 2. Collection method: clinical testing. Allele origin: germline. Affected: yes. Observed: 1 variant allele.
Comment: CACNA1G: BP4, BP7